The following is an entry in ClinVar:

NM_001231.5(CASQ1):c.1066A>G (p.Ser356Gly)

Gene: CASQ1 (calsequestrin 1; plus strand). Cytogenetic location: 1q23.2.
Variant type: single nucleotide variant.
Coding change: c.1066A>G on transcript NM_001231.5 (MANE Select); coding-DNA position 1066, A replaced by G.
Protein change: p.Ser356Gly; replaces serine 356 with glycine.
Molecular consequence: missense variant.
Genome position (GRCh38, 1-based): chr1:160,201,251, A>G. VCF-style: chr1-160201251-A-G. GRCh37 (hg19) VCF-style: chr1-160171041-A-G.
Other names: short protein forms S356G.
Identifiers: ClinVar variation 1504613 (VCV001504613.6), dbSNP rs774947224, ClinGen allele CA1196464.
Genomic context (GRCh38, chr1:160,201,251, plus strand): 5'-ATCCTAAGACCCGGGTTGGACTTAGCTTCCGTCCCTGCCTGTGCCATCTCCTAGGCGGAT[A>G]GCGTATGGATGGAAATGGACGATGAGGAGGACCTGCCTTCTGCTGAGGAGCTGGAGGACT-3'
Protein context (NP_001222.3, residues 346-366): IGVVNVTDAD[Ser356Gly]VWMEMDDEED

ClinVar aggregate classification (germline): Uncertain significance (1 of 4 stars; one submission).

Allele frequency attached by ClinVar (database versions not stated): gnomAD 0.00001; gnomAD exomes 0.00001 and 0.00002; TOPMed 0.00001; ExAC 0.00004.
gnomAD v4.1: 14 of 1,612,836 alleles (0.00087%); highest among the groups gnomAD compares: Non-Finnish European, 0.0012%; no homozygotes.

Submission:

Labcorp Genetics (formerly Invitae), Labcorp
Classification: Uncertain significance. Last evaluated: 2022-07-26. Review status: criteria provided, single submitter. Criteria: Invitae Variant Classification Sherloc (09022015). Collection method: clinical testing. Allele origin: germline.
Comment: In summary, the available evidence is currently insufficient to determine the role of this variant in disease. Therefore, it has been classified as a Variant of Uncertain Significance. Algorithms developed to predict the effect of missense changes on protein structure and function are either unavailable or do not agree on the potential impact of this missense change (SIFT: "Tolerated"; PolyPhen-2: "Possibly Damaging"; Align-GVGD: "Class C0"). ClinVar contains an entry for this variant (Variation ID: 1504613). This variant has not been reported in the literature in individuals affected with CASQ1-related conditions. This variant is present in population databases (rs774947224, gnomAD 0.004%). This sequence change replaces serine, which is neutral and polar, with glycine, which is neutral and non-polar, at codon 356 of the CASQ1 protein (p.Ser356Gly).